The following is an entry in ClinVar:

ClinVar aggregate classification (germline): Benign. Review status: criteria provided, single submitter (1 of 4 stars). 2 submissions from 2 submitters: Benign (1). 1 of the submissions does not count toward it. Last evaluated 2026-07-01.

Conditions:
TNFRSF1A-related disorder. Also called: TNFRSF1A-related condition.

Submissions (2):

CeGaT Center for Human Genetics Tuebingen
Classification: Benign. Last evaluated: 2026-07-01. Review status: criteria provided, single submitter. Criteria: CeGaT Center For Human Genetics Tuebingen Variant Classification Criteria Version 2. Collection method: clinical testing. Allele origin: germline. Affected: yes. Observed: 2 variant alleles.
Comment: TNFRSF1A: BP4, BS1, BS2

PreventionGenetics, part of Exact Sciences
Classification: Likely benign for TNFRSF1A-related condition. Last evaluated: 2024-05-31. Review status: no assertion criteria provided. Collection method: clinical testing. Allele origin: germline. Not counted in ClinVar's aggregate classification.
Comment: This variant is classified as likely benign based on ACMG/AMP sequence variant interpretation guidelines (Richards et al. 2015 PMID: 25741868, with internal and published modifications).

NM_001065.4(TNFRSF1A):c.551+1057_551+1068del

Gene: TNFRSF1A (TNF receptor superfamily member 1A; minus strand). Cytogenetic location: 12p13.31.
Variant type: Deletion.
Coding change: c.551+1057_551+1068del on transcript NM_001065.4 (MANE Select); bases 1057 to 1068 of the intron after coding-DNA position 551, 12 bases deleted (TTTTTTTTTTTT).
Molecular consequence: intron variant.
Genome position (GRCh38, 1-based): chr12:6,332,001-6,332,012, AAAAAAAAAAAA deleted on the plus strand (TTTTTTTTTTTT on the coding strand, the reverse complement: TNFRSF1A is on the minus strand); deleting any 12 consecutive bases within chr12:6,332,001-6,332,024 gives the same sequence; the c. name uses the placement nearest the transcript's 3' end. VCF-style (leftmost placement, unchanged base first): chr12-6332000-CAAAAAAAAAAAA-C. GRCh37 (hg19) VCF-style: chr12-6441166-CAAAAAAAAAAAA-C.
Other names: c.227+1057_227+1068del (NM_001346091.2); c.-26-19_-26-8del (NM_001346092.2).
Identifiers: ClinVar variation 3350498 (VCV003350498.3).